The following is an entry in ClinVar:

NM_000268.4(NF2):c.871C>T (p.Arg291Cys)

Gene: NF2 (NF2, moesin-ezrin-radixin like (MERLIN) tumor suppressor; plus strand). Cytogenetic location: 22q12.2.
Variant type: single nucleotide variant.
Coding change: c.871C>T on transcript NM_000268.4 (MANE Select); coding-DNA position 871, C replaced by T.
Protein change: p.Arg291Cys; replaces arginine 291 with cysteine.
Molecular consequence: missense variant. On other transcripts: non-coding transcript variant (1), intron variant (1).
Genome position (GRCh38, 1-based): chr22:29,665,050, C>T. VCF-style: chr22-29665050-C-T. GRCh37 (hg19) VCF-style: chr22-30061039-C-T.
Other names: c.757C>T, p.Arg253Cys (NM_001407053.1, NM_001407056.1); c.748C>T, p.Arg250Cys (NM_001407054.1, NM_001407058.1, NM_181829.3); c.745C>T, p.Arg249Cys (NM_001407055.1, NM_181828.3); c.736C>T, p.Arg246Cys (NM_001407057.1, NM_001407059.1); c.871C>T, p.Arg291Cys (NM_001407060.1, NM_001407066.1, NM_016418.5 and 2 more transcripts); c.613C>T, p.Arg205Cys (NM_001407062.1); c.622C>T, p.Arg208Cys (NM_001407063.1, NM_001407064.1, NM_181830.3 and 1 more transcripts); c.337C>T, p.Arg113Cys (NM_001407065.1); and 2 more; short protein forms R205C, R249C, R113C, R253C, R291C, R214C, R250C, R208C.
Identifiers: ClinVar variation 1764436 (VCV001764436.6), dbSNP rs754093587, ClinGen allele CA035504.

ClinVar aggregate classification (germline): Uncertain significance. Review status: criteria provided, multiple submitters, no conflicts (2 of 4 stars). 3 submissions from 3 submitters: Uncertain significance (3). Last evaluated 2025-10-15.

Conditions:
Hereditary cancer-predisposing syndrome. Also called: Hereditary Cancer Syndrome; Hereditary neoplastic syndrome; Neoplastic Syndromes, Hereditary; Tumor predisposition. Identifiers: Orphanet 140162, MedGen C0027672, MeSH D009386, MONDO:0015356.
Neurofibromatosis, type 2 (SWNV). Also called: SCHWANNOMATOSIS, VESTIBULAR; NF2-Related Schwannomatosis; BILATERAL ACOUSTIC NEUROFIBROMATOSIS. Identifiers: Orphanet 637, MedGen C0027832, MONDO:0007039, OMIM 101000. Disease mechanism: loss of function.

Allele frequency attached by ClinVar (database versions not stated): TOPMed below 0.00001; ExAC 0.00001.

Submissions (3):

Labcorp Genetics (formerly Invitae), Labcorp
Classification: Uncertain significance for Neurofibromatosis, type 2. Last evaluated: 2025-10-15. Review status: criteria provided, single submitter. Criteria: Invitae Variant Classification Sherloc (09022015). Collection method: clinical testing. Allele origin: germline.
Comment: This sequence change replaces arginine, which is basic and polar, with cysteine, which is neutral and slightly polar, at codon 291 of the NF2 protein (p.Arg291Cys). This variant is present in population databases (rs754093587, gnomAD 0.0009%). This variant has not been reported in the literature in individuals affected with NF2-related conditions. ClinVar contains an entry for this variant (Variation ID: 1764436). Invitae Evidence Modeling of protein sequence and biophysical properties (such as structural, functional, and spatial information, amino acid conservation, physicochemical variation, residue mobility, and thermodynamic stability) has been performed for this missense variant. However, the output from this modeling did not meet the statistical confidence thresholds required to predict the impact of this variant on NF2 protein function. In summary, the available evidence is currently insufficient to determine the role of this variant in disease. Therefore, it has been classified as a Variant of Uncertain Significance.

Ambry Genetics
Classification: Uncertain significance for Hereditary cancer-predisposing syndrome. Last evaluated: 2025-05-30. Review status: criteria provided, single submitter. Criteria: Ambry Variant Classification Scheme 2023. Collection method: clinical testing. Allele origin: germline.
Comment: The p.R291C variant (also known as c.871C>T), located in coding exon 9 of the NF2 gene, results from a C to T substitution at nucleotide position 871. The arginine at codon 291 is replaced by cysteine, an amino acid with highly dissimilar properties. This amino acid position is highly conserved in available vertebrate species. In addition, this alteration is predicted to be deleterious by in silico analysis. Based on the available evidence, the clinical significance of this variant remains unclear.

All of Us Research Program, National Institutes of Health
Classification: Uncertain significance for Neurofibromatosis, type 2. Last evaluated: 2023-08-15. Review status: criteria provided, single submitter. Criteria: ACMG Guidelines, 2015. Collection method: clinical testing. Allele origin: germline. Inheritance: Autosomal dominant inheritance. Observed: 1 variant allele, 1 heterozygote.
Comment: This study involves interpretation of variants in research participants for the purpose of population health screening. Participant phenotype was not available at the time of variant classification. Additional details can be found in publication PMID: 35346344, PMCID: PMC8962531